The following is an entry in ClinVar:

ClinVar aggregate classification (germline): Uncertain significance (1 of 4 stars; one submission).

Conditions:
POLD1-related polyposis and colorectal cancer syndrome (CRCS10). Also called: Colorectal cancer 10; COLORECTAL CANCER, SUSCEPTIBILITY TO, ON CHROMOSOME 19q; Colorectal cancer, susceptibility to, 10. Identifiers: Orphanet 220460, MedGen C2675481, MONDO:0012953, OMIM 612591.

Submission:

Labcorp Genetics (formerly Invitae), Labcorp
Classification: Uncertain significance for POLD1-related polyposis and colorectal cancer syndrome. Last evaluated: 2026-01-12. Review status: criteria provided, single submitter. Criteria: Invitae Variant Classification Sherloc (09022015). Collection method: clinical testing. Allele origin: germline.
Comment: This sequence change replaces methionine, which is neutral and non-polar, with isoleucine, which is neutral and non-polar, at codon 564 of the POLD1 protein (p.Met564Ile). This variant is not present in population databases (gnomAD no frequency). This variant has not been reported in the literature in individuals affected with POLD1-related conditions. ClinVar contains an entry for this variant (Variation ID: 1496994). Invitae Evidence Modeling of protein sequence and biophysical properties (such as structural, functional, and spatial information, amino acid conservation, physicochemical variation, residue mobility, and thermodynamic stability) indicates that this missense variant is not expected to disrupt POLD1 protein function with a negative predictive value of 80%. In summary, the available evidence is currently insufficient to determine the role of this variant in disease. Therefore, it has been classified as a Variant of Uncertain Significance.

NM_002691.4(POLD1):c.1692G>C (p.Met564Ile)

Gene: POLD1 (DNA polymerase delta 1, catalytic subunit; plus strand). Cytogenetic location: 19q13.33.
Variant type: single nucleotide variant.
Coding change: c.1692G>C on transcript NM_002691.4 (MANE Select); coding-DNA position 1692, G replaced by C.
Protein change: p.Met564Ile; replaces methionine 564 with isoleucine.
Molecular consequence: missense variant. On other transcripts: non-coding transcript variant (1).
Genome position (GRCh38, 1-based): chr19:50,407,332, G>C. VCF-style: chr19-50407332-G-C. GRCh37 (hg19) VCF-style: chr19-50910589-G-C.
Other names: c.1692G>C, p.Met564Ile (NM_001256849.1, NM_001308632.1); short protein forms M564I.
Identifiers: ClinVar variation 1496994 (VCV001496994.8), dbSNP rs544143880, ClinGen allele CA406981177.